The following is an entry in ClinVar:

NM_006180.6(NTRK2):c.237A>G (p.Leu79=)

Genes: NTRK2 (neurotrophic receptor tyrosine kinase 2; plus strand), LOC130001952 (ATAC-STARR-seq lymphoblastoid active region 28508; plus strand). Cytogenetic location: 9q21.33.
Variant type: single nucleotide variant.
Coding change: c.237A>G on transcript NM_006180.6 (MANE Select); coding-DNA position 237, A replaced by G.
Protein change: p.Leu79=; no amino-acid change (leucine 79 retained).
Molecular consequence: synonymous variant. On other transcripts: 5 prime UTR variant (4).
Genome position (GRCh38, 1-based): chr9:84,702,183, A>G. VCF-style: chr9-84702183-A-G. GRCh37 (hg19) VCF-style: chr9-87317098-A-G.
Other names: c.237A>G, p.Leu79= (NM_001007097.3, NM_001018064.3, NM_001018065.2 and 18 more transcripts); c.-232A>G (NM_001369535.1, NM_001369536.1, NM_001369550.1 and 1 more transcripts); c.237A>G (NM_006180.4).
Identifiers: ClinVar variation 1543766 (VCV001543766.11), dbSNP rs751296654, ClinGen allele CA195742778.

ClinVar aggregate classification (germline): Likely benign. Review status: criteria provided, multiple submitters, no conflicts (2 of 4 stars). 3 submissions from 3 submitters: Likely benign (2). 1 of the submissions does not count toward it. Last evaluated 2022-02-03.

Conditions:
NTRK2-related disorder. Also called: NTRK2-related condition.

Allele frequency attached by ClinVar (database versions not stated): gnomAD exomes below 0.00001; gnomAD 0.00001.
gnomAD v4.1: 2 of 1,614,114 alleles (0.00012%); highest among the groups gnomAD compares: African/African-American, 0.0013%; no homozygotes.

Submissions (3):

Labcorp Genetics (formerly Invitae), Labcorp
Classification: Likely benign. Last evaluated: 2022-02-03. Review status: criteria provided, single submitter. Criteria: Invitae Variant Classification Sherloc (09022015). Collection method: clinical testing. Allele origin: germline.

Breakthrough Genomics
Classification: Likely benign. Review status: criteria provided, single submitter. Criteria: ACMG Guidelines, 2015. Collection method: not provided. Allele origin: germline. Inheritance: Autosomal dominant inheritance. Affected: yes.

PreventionGenetics, part of Exact Sciences
Classification: Likely benign for NTRK2-related condition. Last evaluated: 2021-02-02. Review status: no assertion criteria provided. Collection method: clinical testing. Allele origin: germline. Not counted in ClinVar's aggregate classification.
Comment: This variant is classified as likely benign based on ACMG/AMP sequence variant interpretation guidelines (Richards et al. 2015 PMID: 25741868, with internal and published modifications).